The following is an entry in ClinVar:

ClinVar aggregate classification (germline): Uncertain significance. Review status: criteria provided, multiple submitters, no conflicts (2 of 4 stars). 2 submissions from 2 submitters: Uncertain significance (2). Last evaluated 2025-01-18.

Conditions:
Cardiovascular phenotype. Identifiers: MedGen CN230736.

Allele frequency attached by ClinVar (database versions not stated): gnomAD 0.00004 and 0.00005; TOPMed 0.00008; gnomAD exomes 0.00002.
gnomAD v4.1: 41 of 1,533,850 alleles (0.0027%); highest among the groups gnomAD compares: African/African-American, 0.018%; no homozygotes.

Submissions (2):

Labcorp Genetics (formerly Invitae), Labcorp
Classification: Uncertain significance. Last evaluated: 2025-01-18. Review status: criteria provided, single submitter. Criteria: Invitae Variant Classification Sherloc (09022015). Collection method: clinical testing. Allele origin: germline.
Comment: This sequence change replaces glycine, which is neutral and non-polar, with arginine, which is basic and polar, at codon 71 of the ZNF469 protein (p.Gly71Arg). This variant is present in population databases (no rsID available, gnomAD 0.009%). This variant has not been reported in the literature in individuals affected with ZNF469-related conditions. ClinVar contains an entry for this variant (Variation ID: 1431442). An algorithm developed to predict the effect of missense changes on protein structure and function (PolyPhen-2) suggests that this variant¬†is likely to be tolerated. In summary, the available evidence is currently insufficient to determine the role of this variant in disease. Therefore, it has been classified as a Variant of Uncertain Significance.

Ambry Genetics
Classification: Uncertain significance for Cardiovascular phenotype. Last evaluated: 2024-03-15. Review status: criteria provided, single submitter. Criteria: Ambry Variant Classification Scheme 2023. Collection method: clinical testing. Allele origin: germline.

NM_001367624.2(ZNF469):c.211G>A (p.Gly71Arg)

Gene: ZNF469 (zinc finger protein 469; plus strand). Cytogenetic location: 16q24.2.
Variant type: single nucleotide variant.
Coding change: c.211G>A on transcript NM_001367624.2 (MANE Select); coding-DNA position 211, G replaced by A.
Protein change: p.Gly71Arg; replaces glycine 71 with arginine.
Molecular consequence: missense variant.
Genome position (GRCh38, 1-based): chr16:88,427,681, G>A. VCF-style: chr16-88427681-G-A. GRCh37 (hg19) VCF-style: chr16-88494089-G-A.
Other names: NM_001127464.1:c.211G>A; short protein forms G71R.
Identifiers: ClinVar variation 1431442 (VCV001431442.5), dbSNP rs973947037, ClinGen allele CA286371393.